The following is an entry in ClinVar:

NM_021620.4(PRDM13):c.1116GCC[8] (p.Pro377_Pro378dup)

Genes: PRDM13 (PR/SET domain 13; plus strand), LOC129996881 (ATAC-STARR-seq lymphoblastoid silent region 17422; plus strand). Cytogenetic location: 6q16.2.
Variant type: Microsatellite.
Coding change: c.1116GCC[8] on transcript NM_021620.4 (MANE Select); eight copies in a row of the 3-base unit GCC starting at c.1116; the reference has six copies in a row; two copies, 6 bases duplicated; also written c.1128_1133dup.
Protein change: p.Pro377_Pro378dup.
Molecular consequence: inframe insertion.
Genome position (GRCh38, 1-based): chr6:99,613,763-99,613,768, GCCGCC duplicated; duplicating any 6 consecutive bases within chr6:99,613,749-99,613,768 gives the same sequence; the position shown is the placement nearest the transcript's 3' end. VCF-style (leftmost placement, unchanged base first): chr6-99613748-C-CCCGCCG. GRCh37 (hg19) VCF-style: chr6-100061624-C-CCCGCCG.
Other names: c.1128_1133dup6 (NM_021620.3); c.1128_1133dup (NM_021620.4).
Identifiers: ClinVar variation 966801 (VCV000966801.10), dbSNP rs112674667, ClinGen allele CA3936322.
Genomic context (GRCh38, chr6:99,613,748, plus strand): 5'-TCACCACCATCACCACCACGCGCACCACCACCACCATCCCAAGTGCCTGCTCGCTGGGGA[C>CCCGCCG]CCGCCGCCGCCGCCGCCGCCTGGCCTGCCCTGCTCTGGGGCCCTGCGCGGCTTCCCTCTG-3'

ClinVar aggregate classification (germline): Conflicting classifications of pathogenicity. Review status: criteria provided, conflicting classifications (1 of 4 stars). 4 submissions from 4 submitters: Uncertain significance (1); Likely benign (1). 2 of the submissions do not count toward it. Last evaluated 2025-06-06.

Conditions:
Retinal dystrophy. Also called: Inherited retinal dystrophy. Identifiers: Orphanet 71862, MedGen C0854723, MeSH D058499, MONDO:0019118, HP:0000556.
PRDM13-related disorder. Also called: PRDM13-related condition.

Submissions (4):

Labcorp Genetics (formerly Invitae), Labcorp
Classification: Uncertain significance. Last evaluated: 2025-06-06. Review status: criteria provided, single submitter. Criteria: Invitae Variant Classification Sherloc (09022015). Collection method: clinical testing. Allele origin: germline.
Comment: This variant, c.1128_1133dup, results in the insertion of 2 amino acid(s) of the PRDM13 protein (p.Pro377_Pro378dup), but otherwise preserves the integrity of the reading frame. This variant is present in population databases (rs577768379, gnomAD 0.06%), and has an allele count higher than expected for a pathogenic variant. This variant has not been reported in the literature in individuals affected with PRDM13-related conditions. ClinVar contains an entry for this variant (Variation ID: 966801). Experimental studies and prediction algorithms are not available or were not evaluated, and the functional significance of this variant is currently unknown. In summary, the available evidence is currently insufficient to determine the role of this variant in disease. Therefore, it has been classified as a Variant of Uncertain Significance.

Blueprint Genetics
Classification: Likely benign. Last evaluated: 2024-05-17. Review status: criteria provided, single submitter. Criteria: ACMG Guidelines, 2015. Collection method: clinical testing. Allele origin: germline.

PreventionGenetics, part of Exact Sciences
Classification: Uncertain significance for PRDM13-related condition. Last evaluated: 2024-09-20. Review status: no assertion criteria provided. Collection method: clinical testing. Allele origin: germline. Not counted in ClinVar's aggregate classification.
Comment: The PRDM13 c.1128_1133dup6 variant is predicted to result in an in-frame duplication (p.Pro377_Pro378dup). To our knowledge, this variant has not been reported in the literature. This variant is reported in 0.064% of alleles in individuals of African descent in gnomAD, which may be too common to be an unreported cause of disease. Although we suspect that this variant may be benign, at this time, the clinical significance of this variant is uncertain due to the absence of conclusive functional and genetic evidence.

Institute of Human Genetics, Univ. Regensburg, Univ. Regensburg
Classification: Uncertain significance for Retinal dystrophy. Last evaluated: 2023-01-01. Review status: no assertion criteria provided. Criteria: ACMG Guidelines, 2015. Collection method: clinical testing. Allele origin: germline. Affected: yes. Not counted in ClinVar's aggregate classification.